The following is an entry in ClinVar:

ClinVar aggregate classification (germline): Likely pathogenic (1 of 4 stars; one submission).

Conditions:
Autosomal recessive limb-girdle muscular dystrophy type 2J (LGMDR10). Also called: Limb-girdle muscular dystrophy, type 2J; MUSCULAR DYSTROPHY, LIMB-GIRDLE, AUTOSOMAL RECESSIVE 10. Identifiers: Orphanet 140922, MedGen C1837342, MONDO:0012127, OMIM 608807.
Dilated cardiomyopathy 1G (CMD1G). Identifiers: Orphanet 154, MedGen C1858763, MONDO:0011400, OMIM 604145.

Submission:

Labcorp Genetics (formerly Invitae), Labcorp
Classification: Likely pathogenic for Dilated cardiomyopathy 1G; Autosomal recessive limb-girdle muscular dystrophy type 2J. Last evaluated: 2024-05-17. Review status: criteria provided, single submitter. Criteria: Invitae Variant Classification Sherloc (09022015). Collection method: clinical testing. Allele origin: germline.
Comment: This sequence change creates a premature translational stop signal (p.Lys15468Serfs*33) in the TTN gene. While this is not anticipated to result in nonsense mediated decay, it is expected to create a truncated TTN protein. This variant is not present in population databases (gnomAD no frequency). This variant has not been reported in the literature in individuals affected with TTN-related conditions. This variant is located in the I band of TTN (PMID: 25589632). Truncating variants in this region have been reported in individuals affected with autosomal recessive centronuclear myopathy (PMID: 23975875, Invitae internal data). Truncating variants in this region have also been identified in individuals affected with autosomal dominant dilated cardiomyopathy and/or cardio-related conditions (PMID: 27869827, 32964742, Invitae internal data). In summary, the currently available evidence indicates that the variant is pathogenic, but additional data are needed to prove that conclusively. Therefore, this variant has been classified as Likely Pathogenic.

Literature cited by the submitters: PubMed 25589632; PubMed 23975875; PubMed 27869827; PubMed 32964742.

NM_001267550.2(TTN):c.46401del (p.Lys15468fs)

Genes: TTN (titin; minus strand), TTN-AS1 (TTN antisense RNA 1; plus strand). Cytogenetic location: 2q31.2.
Variant type: Deletion.
Coding change: c.46401del on transcript NM_001267550.2 (MANE Select); coding-DNA position 46401, one base deleted (G; older notation c.46401delG).
Protein change: p.Lys15468fs; shifts the reading frame from lysine 15468.
Molecular consequence: frameshift variant. On other transcripts: non-coding transcript variant (1).
Genome position (GRCh38, 1-based): chr2:178,620,016, C deleted on the plus strand (G on the coding strand, the reverse complement: TTN is on the minus strand); the first of 2 consecutive C bases (chr2:178,620,016-178,620,017); deleting either gives the same sequence. VCF-style (leftmost placement, unchanged base first): chr2-178620015-TC-T. GRCh37 (hg19) VCF-style: chr2-179484742-TC-T.
Other names: c.41478del, p.Lys13827fs (NM_001256850.1); c.19206del, p.Lys6403fs (NM_003319.4); c.38697del, p.Lys12900fs (NM_133378.4); c.19581del, p.Lys6528fs (NM_133432.3); c.19782del, p.Lys6595fs (NM_133437.4); short protein forms K12900fs, K13827fs, K15468fs, K6403fs, K6528fs, K6595fs.
Identifiers: ClinVar variation 3761548 (VCV003761548.2).